The following is an entry in ClinVar:

NM_000492.4(CFTR):c.3717G>C (p.Arg1239Ser)

Genes: CFTR (CF transmembrane conductance regulator; plus strand), CFTR-AS2 (CFTR antisense RNA 2; minus strand). Cytogenetic location: 7q31.2.
Variant type: single nucleotide variant.
Coding change: c.3717G>C on transcript NM_000492.4 (MANE Select); coding-DNA position 3717, G replaced by C.
Protein change: p.Arg1239Ser; replaces arginine 1239 with serine.
Molecular consequence: missense variant.
Genome position (GRCh38, 1-based): chr7:117,627,770, G>C. VCF-style: chr7-117627770-G-C. GRCh37 (hg19) VCF-style: chr7-117267824-G-C.
Other names: short protein forms R1239S.
Identifiers: ClinVar variation 4818544 (VCV004818544.1).

ClinVar aggregate classification (germline): Likely pathogenic (1 of 4 stars; one submission).

Conditions:
CFTR-related disorder (CFTR-RD). Also called: CFTR-related disorders; CFTR-related condition. Identifiers: MedGen C5924204, MONDO:7770004.

Submission:

Natera, Inc.
Classification: Likely pathogenic for CFTR-related disorders. Last evaluated: 2025-11-26. Review status: criteria provided, single submitter. Criteria: Natera Variant Classification Schema (03/2026). Collection method: clinical testing. Allele origin: germline.
Comment: The c.3717G>C variant in CFTR is a missense variant predicted to cause substitution of arginine to serine at amino acid 1239. This variant is rare in the general population with a frequency below the threshold expected for the associated phenotype(s). This variant has been observed in one or more individuals affected with the associated recessive disease, as either homozygous or compound heterozygous with a second variant (PMID: 31508243). Functional studies show that this variant may disrupt protein function (PMID: 33085659). Given the available evidence, this variant is classified as Likely Pathogenic.

Literature cited by the submitters: PubMed 31508243; PubMed 33085659.